The following is an entry in ClinVar:

NM_002439.5(MSH3):c.3325A>G (p.Lys1109Glu)

Gene: MSH3 (mutS homolog 3; plus strand). Cytogenetic location: 5q14.1.
Variant type: single nucleotide variant.
Coding change: c.3325A>G on transcript NM_002439.5 (MANE Select); coding-DNA position 3325, A replaced by G.
Protein change: p.Lys1109Glu; replaces lysine 1109 with glutamic acid.
Molecular consequence: missense variant.
Genome position (GRCh38, 1-based): chr5:80,875,773, A>G. VCF-style: chr5-80875773-A-G. GRCh37 (hg19) VCF-style: chr5-80171592-A-G.
Other names: c.3325A>G (NM_002439.3); short protein forms K1109E.
Identifiers: ClinVar variation 938091 (VCV000938091.10), dbSNP rs1746297726, ClinGen allele CA360347311.

ClinVar aggregate classification (germline): Uncertain significance. Review status: criteria provided, multiple submitters, no conflicts (2 of 4 stars). 2 submissions from 2 submitters: Uncertain significance (2). Last evaluated 2025-03-31.

Conditions:
Hereditary cancer-predisposing syndrome. Also called: Tumor predisposition; Hereditary neoplastic syndrome; Hereditary Cancer Syndrome; Neoplastic Syndromes, Hereditary. Identifiers: Orphanet 140162, MedGen C0027672, MeSH D009386, MONDO:0015356.

Submissions (2):

Ambry Genetics
Classification: Uncertain significance for Hereditary cancer-predisposing syndrome. Last evaluated: 2025-03-31. Review status: criteria provided, single submitter. Criteria: Ambry Variant Classification Scheme 2023. Collection method: clinical testing. Allele origin: germline.
Comment: The p.K1109E variant (also known as c.3325A>G), located in coding exon 24 of the MSH3 gene, results from an A to G substitution at nucleotide position 3325. The lysine at codon 1109 is replaced by glutamic acid, an amino acid with similar properties. This amino acid position is conserved. In addition, this alteration is predicted to be tolerated by in silico analysis. Based on the available evidence, the clinical significance of this variant remains unclear.

Labcorp Genetics (formerly Invitae), Labcorp
Classification: Uncertain significance. Last evaluated: 2022-03-05. Review status: criteria provided, single submitter. Criteria: Invitae Variant Classification Sherloc (09022015). Collection method: clinical testing. Allele origin: germline.
Comment: Algorithms developed to predict the effect of missense changes on protein structure and function output the following: SIFT: "Tolerated"; PolyPhen-2: "Benign"; Align-GVGD: "Class C0". The glutamic acid amino acid residue is found in multiple mammalian species, which suggests that this missense change does not adversely affect protein function. Algorithms developed to predict the effect of sequence changes on RNA splicing suggest that this variant may create or strengthen a splice site. In summary, the available evidence is currently insufficient to determine the role of this variant in disease. Therefore, it has been classified as a Variant of Uncertain Significance. ClinVar contains an entry for this variant (Variation ID: 938091). This variant has not been reported in the literature in individuals affected with MSH3-related conditions. This variant is not present in population databases (gnomAD no frequency). This sequence change replaces lysine, which is basic and polar, with glutamic acid, which is acidic and polar, at codon 1109 of the MSH3 protein (p.Lys1109Glu).